The following is an entry in ClinVar:

ClinVar aggregate classification (germline): Likely benign. Review status: criteria provided, multiple submitters, no conflicts (2 of 4 stars). 2 submissions from 2 submitters: Likely benign (2). Last evaluated 2025-12-01.

Allele frequency attached by ClinVar (database versions not stated): ESP Exome Variant Server 0.00008; TOPMed 0.00008; gnomAD exomes 0.00010 and 0.00013; gnomAD 0.00006 and 0.00007; ExAC 0.00008.
gnomAD v4.1: 194 of 1,609,216 alleles (0.012%); highest among the groups gnomAD compares: Non-Finnish European, 0.016%; no homozygotes.

Submissions (2):

CeGaT Center for Human Genetics Tuebingen
Classification: Likely benign. Last evaluated: 2025-12-01. Review status: criteria provided, single submitter. Criteria: CeGaT Center For Human Genetics Tuebingen Variant Classification Criteria Version 2. Collection method: clinical testing. Allele origin: germline. Affected: yes. Observed: 1 variant allele.
Comment: SLC18A2: BP4, BP7

Labcorp Genetics (formerly Invitae), Labcorp
Classification: Likely benign. Last evaluated: 2025-07-10. Review status: criteria provided, single submitter. Criteria: Invitae Variant Classification Sherloc (09022015). Collection method: clinical testing. Allele origin: germline.

NM_003054.6(SLC18A2):c.639T>C (p.Asp213=)

Gene: SLC18A2 (solute carrier family 18 member A2; plus strand). Cytogenetic location: 10q25.3.
Variant type: single nucleotide variant.
Coding change: c.639T>C on transcript NM_003054.6 (MANE Select); coding-DNA position 639, T replaced by C.
Protein change: p.Asp213=; no amino-acid change (aspartic acid 213 retained).
Molecular consequence: synonymous variant.
Genome position (GRCh38, 1-based): chr10:117,254,436, T>C. VCF-style: chr10-117254436-T-C. GRCh37 (hg19) VCF-style: chr10-119013947-T-C.
Identifiers: ClinVar variation 724428 (VCV000724428.9), dbSNP rs147489556, ClinGen allele CA5710361.
Genomic context (GRCh38, chr10:117,254,436, plus strand): 5'-GCCTGTTGACTATTTCTTTCCCTGTGTAGGGATGGGCATGCTTGCCAGTGTCTACACAGA[T>C]GATGAAGAGAGAGGCAACGTCATGGGAATCGCCTTGGGAGGCCTGGCCATGGGGGTCTTA-3'
Protein context (NP_003045.2, residues 203-223): GMGMLASVYT[Asp213=]DEERGNVMGI